The following is an entry in ClinVar:

NM_005751.5(AKAP9):c.2333G>A (p.Ser778Asn)

Gene: AKAP9 (A-kinase anchoring protein 9; plus strand). Cytogenetic location: 7q21.2.
Variant type: single nucleotide variant.
Coding change: c.2333G>A on transcript NM_005751.5 (MANE Select); coding-DNA position 2333, G replaced by A.
Protein change: p.Ser778Asn; replaces serine 778 with asparagine.
Molecular consequence: missense variant.
Genome position (GRCh38, 1-based): chr7:92,002,250, G>A. VCF-style: chr7-92002250-G-A. GRCh37 (hg19) VCF-style: chr7-91631564-G-A.
Other names: c.2333G>A, p.Ser778Asn (NM_147185.3); short protein forms S778N.
Identifiers: ClinVar variation 4033916 (VCV004033916.1).

ClinVar aggregate classification (germline): Uncertain significance (1 of 4 stars; one submission).

Conditions:
Cardiovascular phenotype. Identifiers: MedGen CN230736.

gnomAD v4.1: 8 of 1,600,524 alleles (0.0005%); highest among the groups gnomAD compares: South Asian, 0.0046%; no homozygotes.

Submission:

Ambry Genetics
Classification: Uncertain significance for Cardiovascular phenotype. Last evaluated: 2025-04-24. Review status: criteria provided, single submitter. Criteria: Ambry Variant Classification Scheme 2023. Collection method: clinical testing. Allele origin: germline.
Comment: The p.S778N variant (also known as c.2333G>A), located in coding exon 8 of the AKAP9 gene, results from a G to A substitution at nucleotide position 2333. The serine at codon 778 is replaced by asparagine, an amino acid with highly similar properties. This amino acid position is conserved. In addition, this alteration is predicted to be tolerated by in silico analysis. Based on the available evidence, the clinical significance of this variant remains unclear.